The following is an entry in ClinVar:

NM_001256789.3(CACNA1F):c.2381G>A (p.Gly794Glu)

Gene: CACNA1F (calcium voltage-gated channel subunit alpha1 F; minus strand). Cytogenetic location: Xp11.23.
Variant type: single nucleotide variant.
Coding change: c.2381G>A on transcript NM_001256789.3 (MANE Select); coding-DNA position 2381, G replaced by A.
Protein change: p.Gly794Glu; replaces glycine 794 with glutamic acid.
Molecular consequence: missense variant.
Genome position (GRCh38, 1-based): chrX:49,220,478, C>T on the plus strand (G>A on the coding strand, the complement: CACNA1F is on the minus strand). VCF-style: chrX-49220478-C-T. GRCh37 (hg19) VCF-style: chrX-49076937-C-T.
Other names: c.2219G>A, p.Gly740Glu (NM_001256790.3); c.2414G>A, p.Gly805Glu (NM_005183.4); short protein forms G740E, G805E, G794E.
Identifiers: ClinVar variation 1511065 (VCV001511065.9), dbSNP rs782175237, ClinGen allele CA412908137.
Genomic context (GRCh38, chrX:49,220,478, plus strand): 5'-CCTGAGCTCTTTCCCCAAGGTCCCACACCTGCTCCACCTGGCCCTGCCCACTTGCCTGCT[C>T]CTTCCCTCCTTGCACCCTCCTCTTCCTCTTTCTCCACACCAGGCACCTGAGGACAGGAAG-3'
Protein context (NP_001243718.1, residues 784-804): KEEEEGARRE[Gly794Glu]ADMEEEEEEE

ClinVar aggregate classification (germline): Uncertain significance. Review status: criteria provided, multiple submitters, no conflicts (2 of 4 stars). 2 submissions from 2 submitters: Uncertain significance (2). Last evaluated 2023-01-01.

Allele frequency attached by ClinVar (database versions not stated): gnomAD 0.00002 and 0.00003.
gnomAD v4.1: 9 of 1,206,389 alleles (0.00075%); highest among the groups gnomAD compares: Admixed American, 0.0022%; no homozygotes.

Submissions (2):

Labcorp Genetics (formerly Invitae), Labcorp
Classification: Uncertain significance. Last evaluated: 2023-01-01. Review status: criteria provided, single submitter. Criteria: Invitae Variant Classification Sherloc (09022015). Collection method: clinical testing. Allele origin: germline.
Comment: In summary, the available evidence is currently insufficient to determine the role of this variant in disease. Therefore, it has been classified as a Variant of Uncertain Significance. Algorithms developed to predict the effect of sequence changes on RNA splicing suggest that this variant may create or strengthen a splice site. Advanced modeling of protein sequence and biophysical properties (such as structural, functional, and spatial information, amino acid conservation, physicochemical variation, residue mobility, and thermodynamic stability) performed at Invitae indicates that this missense variant is not expected to disrupt CACNA1F protein function. ClinVar contains an entry for this variant (Variation ID: 1511065). This variant has not been reported in the literature in individuals affected with CACNA1F-related conditions. This variant is not present in population databases (gnomAD no frequency). This sequence change replaces glycine, which is neutral and non-polar, with glutamic acid, which is acidic and polar, at codon 805 of the CACNA1F protein (p.Gly805Glu).

Blueprint Genetics
Classification: Uncertain significance. Last evaluated: 2021-12-22. Review status: criteria provided, single submitter. Criteria: ACMG Guidelines, 2015. Collection method: clinical testing. Allele origin: germline.